The following is an entry in ClinVar:

ClinVar aggregate classification (germline): Uncertain significance. Review status: criteria provided, multiple submitters, no conflicts (2 of 4 stars). 3 submissions from 3 submitters: Uncertain significance (3). Last evaluated 2025-04-14.

Conditions:
Inborn genetic diseases. Identifiers: MedGen C0950123, MeSH D030342.
Nephronophthisis. Also called: Juvenile Nephronophthisis. Identifiers: Orphanet 655, MedGen C0687120, MONDO:0019005, HP:0000090.
Nephronophthisis 3 (NPHP3). Also called: Adolescent nephronophthisis. Identifiers: Orphanet 655, MedGen C1858392, MONDO:0011456, OMIM 604387.
NPHP3-related Meckel-like syndrome. Also called: GOLDSTON SYNDROME; Meckel syndrome type 7. Identifiers: Orphanet 3032, MedGen C2673885, MONDO:0009966, OMIM 267010.
Renal-hepatic-pancreatic dysplasia 1 (RHPD1). Identifiers: MedGen C3715199, MONDO:0008833, OMIM 208540.

Allele frequency attached by ClinVar (database versions not stated): gnomAD exomes 0.00002 and 0.00007; ExAC 0.00003; gnomAD 0.00004 and 0.00005; TOPMed 0.00005; ESP Exome Variant Server 0.00015; 1000 Genomes Project 0.00020; 1000 Genomes Project 30x 0.00031.
gnomAD v4.1: 108 of 1,590,376 alleles (0.0068%); highest among the groups gnomAD compares: Non-Finnish European, 0.0092%; no homozygotes.

Submissions (3):

Ambry Genetics
Classification: Uncertain significance for Inborn genetic diseases. Last evaluated: 2025-04-14. Review status: criteria provided, single submitter. Criteria: Ambry Variant Classification Scheme 2023. Collection method: clinical testing. Allele origin: germline.

Labcorp Genetics (formerly Invitae), Labcorp
Classification: Uncertain significance for Nephronophthisis. Last evaluated: 2022-07-25. Review status: criteria provided, single submitter. Criteria: Invitae Variant Classification Sherloc (09022015). Collection method: clinical testing. Allele origin: germline.
Comment: This sequence change replaces isoleucine, which is neutral and non-polar, with threonine, which is neutral and polar, at codon 343 of the NPHP3 protein (p.Ile343Thr). This variant is present in population databases (rs145715402, gnomAD 0.005%). This variant has not been reported in the literature in individuals affected with NPHP3-related conditions. ClinVar contains an entry for this variant (Variation ID: 1055654). Algorithms developed to predict the effect of missense changes on protein structure and function (SIFT, PolyPhen-2, Align-GVGD) all suggest that this variant is likely to be tolerated. Algorithms developed to predict the effect of sequence changes on RNA splicing suggest that this variant may create or strengthen a splice site. In summary, the available evidence is currently insufficient to determine the role of this variant in disease. Therefore, it has been classified as a Variant of Uncertain Significance.

Fulgent Genetics
Classification: Uncertain significance for Renal-hepatic-pancreatic dysplasia 1; NPHP3-related Meckel-like syndrome; Nephronophthisis 3. Last evaluated: 2022-03-07. Review status: criteria provided, single submitter. Criteria: ACMG Guidelines, 2015. Collection method: clinical testing. Allele origin: unknown.

NM_153240.5(NPHP3):c.1028T>C (p.Ile343Thr)

Genes: NPHP3-ACAD11 (NPHP3-ACAD11 readthrough (NMD candidate); minus strand), NPHP3 (nephrocystin 3; minus strand). Cytogenetic location: 3q22.1.
Variant type: single nucleotide variant.
Coding change: c.1028T>C on transcript NM_153240.5 (MANE Select); coding-DNA position 1028, T replaced by C.
Protein change: p.Ile343Thr; replaces isoleucine 343 with threonine.
Molecular consequence: missense variant. On other transcripts: non-coding transcript variant (1).
Genome position (GRCh38, 1-based): chr3:132,713,216, A>G on the plus strand (T>C on the coding strand, the complement: NPHP3 is on the minus strand). VCF-style: chr3-132713216-A-G. GRCh37 (hg19) VCF-style: chr3-132432060-A-G.
Other names: c.1028T>C (NM_153240.4); short protein forms I343T.
Identifiers: ClinVar variation 1055654 (VCV001055654.6), dbSNP rs145715402, ClinGen allele CA2622430.